The following is an entry in ClinVar:

NM_006080.3(SEMA3A):c.484T>C (p.Phe162Leu)

Gene: SEMA3A (semaphorin 3A; minus strand). Cytogenetic location: 7q21.11.
Variant type: single nucleotide variant.
Coding change: c.484T>C on transcript NM_006080.3 (MANE Select); coding-DNA position 484, T replaced by C.
Protein change: p.Phe162Leu; replaces phenylalanine 162 with leucine.
Molecular consequence: missense variant.
Genome position (GRCh38, 1-based): chr7:84,060,528, A>G on the plus strand (T>C on the coding strand, the complement: SEMA3A is on the minus strand). VCF-style: chr7-84060528-A-G. GRCh37 (hg19) VCF-style: chr7-83689844-A-G.
Other names: short protein forms F162L.
Identifiers: ClinVar variation 4994932 (VCV004994932.1).
Genomic context (GRCh38, chr7:84,060,528, plus strand): 5'-TTAAAAGGGATGCTGTCAGCAGCTTAGGGTCATATGGACTCTTCCCACGGCCGTTTTCAA[A>G]ATGTGAGTTCTCCAGCTTAAAAATATTGTCCTGTGGATTTAAAAAAGAAAGAGAAAAGGG-3'
Protein context (NP_006071.1, residues 152-172): DNIFKLENSH[Phe162Leu]ENGRGKSPYD

ClinVar aggregate classification (germline): Uncertain significance (1 of 4 stars; one submission).

Conditions:
SEMA3A-related disorder. Also called: SEMA3A-related condition.

gnomAD v4.1: 2 of 1,596,638 alleles (0.00013%); highest among the groups gnomAD compares: South Asian, 0.0011%; no homozygotes.

Submission:

PreventionGenetics, part of Exact Sciences
Classification: Uncertain significance for SEMA3A-related condition. Last evaluated: 2026-04-24. Review status: criteria provided, single submitter. Criteria: ACMG Guidelines, 2015. Collection method: clinical testing. Allele origin: germline.
Comment: The SEMA3A c.484T>C variant is predicted to result in the amino acid substitution p.Phe162Leu. To our knowledge, this variant has not been reported in the literature or in a large population database (gnomAD), indicating this variant is rare. At this time, the clinical significance of this variant is uncertain due to the absence of conclusive functional and genetic evidence.